The following is an entry in ClinVar:

ClinVar aggregate classification (germline): Uncertain significance (1 of 4 stars; one submission).

Conditions:
Shprintzen-Goldberg syndrome (SGS). Also called: Marfanoid disorder with craniosynostosis type 1; Marfanoid craniosynostosis syndrome; Shprintzen-Goldberg marfanoid syndrome; SHPRINTZEN-GOLDBERG CRANIOSYNOSTOSIS SYNDROME; CRANIOSYNOSTOSIS WITH ARACHNODACTYLY AND ABDOMINAL HERNIAS. Identifiers: Orphanet 2462, MedGen C1321551, MONDO:0008426, OMIM 182212.

Submission:

Labcorp Genetics (formerly Invitae), Labcorp
Classification: Uncertain significance for Shprintzen-Goldberg syndrome. Last evaluated: 2025-10-19. Review status: criteria provided, single submitter. Criteria: Invitae Variant Classification Sherloc (09022015). Collection method: clinical testing. Allele origin: germline.
Comment: This sequence change replaces serine, which is neutral and polar, with asparagine, which is neutral and polar, at codon 354 of the SKI protein (p.Ser354Asn). This variant is not present in population databases (gnomAD no frequency). This variant has not been reported in the literature in individuals affected with SKI-related conditions. Invitae Evidence Modeling of protein sequence and biophysical properties (such as structural, functional, and spatial information, amino acid conservation, physicochemical variation, residue mobility, and thermodynamic stability) indicates that this missense variant is not expected to disrupt SKI protein function with a negative predictive value of 95%. In summary, the available evidence is currently insufficient to determine the role of this variant in disease. Therefore, it has been classified as a Variant of Uncertain Significance.

NM_003036.4(SKI):c.1061G>A (p.Ser354Asn)

Gene: SKI (SKI proto-oncogene; plus strand). Cytogenetic location: 1p36.32.
Variant type: single nucleotide variant.
Coding change: c.1061G>A on transcript NM_003036.4 (MANE Select); coding-DNA position 1061, G replaced by A.
Protein change: p.Ser354Asn; replaces serine 354 with asparagine.
Molecular consequence: missense variant.
Genome position (GRCh38, 1-based): chr1:2,303,069, G>A. VCF-style: chr1-2303069-G-A. GRCh37 (hg19) VCF-style: chr1-2234508-G-A.
Other names: short protein forms S354N.
Identifiers: ClinVar variation 4769735 (VCV004769735.1).